The following is an entry in ClinVar:

ClinVar aggregate classification (germline): Likely benign (1 of 4 stars; one submission).

Conditions:
SIAH1-related condition.

gnomAD v4.1: 4 of 1,614,250 alleles (0.00025%); highest among the groups gnomAD compares: Admixed American, 0.0017%; no homozygotes.

Submission:

PreventionGenetics, part of Exact Sciences
Classification: Likely benign for SIAH1-related condition. Last evaluated: 2024-12-04. Review status: criteria provided, single submitter. Criteria: ACMG Guidelines, 2015. Collection method: clinical testing. Allele origin: germline.
Comment: This variant is classified as likely benign based on ACMG/AMP sequence variant interpretation guidelines (Richards et al. 2015 PMID: 25741868, with internal and published modifications).

NM_003031.4(SIAH1):c.378T>C (p.Tyr126=)

Genes: LONP2 (lon peptidase 2, peroxisomal; plus strand), SIAH1 (siah E3 ubiquitin protein ligase 1; minus strand). Cytogenetic location: 16q12.1.
Variant type: single nucleotide variant.
Coding change: c.378T>C on transcript NM_003031.4 (MANE Select); coding-DNA position 378, T replaced by C.
Protein change: p.Tyr126=; no amino-acid change (tyrosine 126 retained).
Molecular consequence: synonymous variant. On other transcripts: 3 prime UTR variant (1).
Genome position (GRCh38, 1-based): chr16:48,362,051, A>G on the plus strand (T>C on the coding strand, the complement: SIAH1 is on the minus strand). VCF-style: chr16-48362051-A-G. GRCh37 (hg19) VCF-style: chr16-48395962-A-G.
Other names: c.471T>C, p.Tyr157= (NM_001006610.2); c.*455A>G (NM_001348078.2).
Identifiers: ClinVar variation 4987610 (VCV004987610.1).